The following is an entry in ClinVar:

NM_000344.4(SMN1):c.91dup (p.Ser31fs)

Gene: SMN1 (survival of motor neuron 1, telomeric). Cytogenetic location: 5q13.2.
Variant type: Duplication.
Coding change: c.91dup on transcript NM_000344.4 (MANE Select); coding-DNA position 91, one base duplicated.
Protein change: p.Ser31fs; shifts the reading frame from serine 31.
Molecular consequence: frameshift variant.
Genome position: GRCh38 VCF-style: chr5-70938846-A-AT. GRCh37 (hg19) VCF-style: chr5-70234673-A-AT.
Other names: c.91dup, p.Ser31fs (NM_001297715.1, NM_022874.2); short protein forms S31fs.
Identifiers: ClinVar variation 4057250 (VCV004057250.1).

ClinVar aggregate classification (germline): Pathogenic (0 of 4 stars; one submission).

Conditions:
Werdnig-Hoffmann disease (SMA1). Also called: MUSCULAR ATROPHY, INFANTILE; SMA I; SMA, INFANTILE ACUTE FORM; HMN (Hereditary Motor Neuropathy) Proximal Type I. Identifiers: Orphanet 83330, MedGen C5848259, MONDO:0009669, OMIM 253300. Disease mechanism: loss of function.

Submission:

Center for Human Genetics and Genomic Medicine, Uniklinik Rwth Aachen
Classification: Pathogenic for Werdnig-Hoffmann disease. Last evaluated: 2025-07-09. Review status: no assertion criteria provided. Collection method: clinical testing. Allele origin: maternal. Inheritance: Autosomal recessive inheritance. Affected: yes. Observed: 1 compound heterozygote.
Comment: Detected in 2 siblings with 5q-SMA in compound heterozygosity with the common deletion. Segregation analysis in parents confirms compound heterozygosity, LR-PCR shows location in SMN1. PVS1, PM3_str